The following is an entry in ClinVar:

NM_001312673.2(PCYT1A):c.56C>T (p.Pro19Leu)

Gene: PCYT1A (phosphate cytidylyltransferase 1A, choline; minus strand). Cytogenetic location: 3q29.
Variant type: single nucleotide variant.
Coding change: c.56C>T on transcript NM_001312673.2 (MANE Select); coding-DNA position 56, C replaced by T.
Protein change: p.Pro19Leu; replaces proline 19 with leucine.
Molecular consequence: missense variant.
Genome position (GRCh38, 1-based): chr3:196,270,476, G>A on the plus strand (C>T on the coding strand, the complement: PCYT1A is on the minus strand). VCF-style: chr3-196270476-G-A. GRCh37 (hg19) VCF-style: chr3-195997347-G-A.
Other names: c.56C>T, p.Pro19Leu (NM_005017.4); c.56C>T (NM_005017.2); short protein forms P19L.
Identifiers: ClinVar variation 1433599 (VCV001433599.6), dbSNP rs1041304990, ClinGen allele CA90807092.

ClinVar aggregate classification (germline): Uncertain significance. Review status: criteria provided, multiple submitters, no conflicts (2 of 4 stars). 2 submissions from 2 submitters: Uncertain significance (2). Last evaluated 2022-08-16.

Conditions:
Inborn genetic diseases. Identifiers: MedGen C0950123, MeSH D030342.

Allele frequency attached by ClinVar (database versions not stated): gnomAD 0.00002; gnomAD exomes 0.00002; TOPMed 0.00002.

Submissions (2):

Labcorp Genetics (formerly Invitae), Labcorp
Classification: Uncertain significance. Last evaluated: 2022-08-16. Review status: criteria provided, single submitter. Criteria: Invitae Variant Classification Sherloc (09022015). Collection method: clinical testing. Allele origin: germline.
Comment: This sequence change replaces proline, which is neutral and non-polar, with leucine, which is neutral and non-polar, at codon 19 of the PCYT1A protein (p.Pro19Leu). This variant is not present in population databases (gnomAD no frequency). This variant has not been reported in the literature in individuals affected with PCYT1A-related conditions. ClinVar contains an entry for this variant (Variation ID: 1433599). Advanced modeling of protein sequence and biophysical properties (such as structural, functional, and spatial information, amino acid conservation, physicochemical variation, residue mobility, and thermodynamic stability) performed at Invitae indicates that this missense variant is not expected to disrupt PCYT1A protein function. In summary, the available evidence is currently insufficient to determine the role of this variant in disease. Therefore, it has been classified as a Variant of Uncertain Significance.

Ambry Genetics
Classification: Uncertain significance for Inborn genetic diseases. Last evaluated: 2021-08-03. Review status: criteria provided, single submitter. Criteria: Ambry Variant Classification Scheme 2023. Collection method: clinical testing. Allele origin: germline.